The following is an entry in ClinVar:

ClinVar aggregate classification (germline): Uncertain significance. Review status: criteria provided, multiple submitters, no conflicts (2 of 4 stars). 2 submissions from 2 submitters: Uncertain significance (2). Last evaluated 2023-01-23.

Conditions:
Hereditary cancer-predisposing syndrome. Also called: Tumor predisposition; Hereditary neoplastic syndrome; Neoplastic Syndromes, Hereditary; Hereditary Cancer Syndrome. Identifiers: Orphanet 140162, MedGen C0027672, MeSH D009386, MONDO:0015356.
Ataxia-telangiectasia syndrome (AT). Also called: Ataxia-telangiectasia, complementation group D; AT, COMPLEMENTATION GROUP C; ATAXIA-TELANGIECTASIA, COMPLEMENTATION GROUP A; ATAXIA-TELANGIECTASIA, FRESNO VARIANT; Ataxia-telangiectasia; LOUIS-BAR SYNDROME. Identifiers: Orphanet 100, MedGen C0004135, MONDO:0008840, OMIM 208900.

Submissions (2):

Color Diagnostics, LLC DBA Color Health
Classification: Uncertain significance for Hereditary cancer-predisposing syndrome. Last evaluated: 2023-01-23. Review status: criteria provided, single submitter. Criteria: ACMG Guidelines, 2015. Collection method: clinical testing. Allele origin: germline.
Comment: This missense variant replaces lysine with arginine at codon 2789 of the ATM protein. Computational prediction suggests that this variant may not impact protein structure and function (internally defined REVEL score threshold <= 0.5, PMID: 27666373). To our knowledge, functional studies have not been reported for this variant. This variant has not been reported in individuals affected with ATM-related disorders in the literature. This variant has not been identified in the general population by the Genome Aggregation Database (gnomAD). The available evidence is insufficient to determine the role of this variant in disease conclusively. Therefore, this variant is classified as a Variant of Uncertain Significance.

Labcorp Genetics (formerly Invitae), Labcorp
Classification: Uncertain significance for Ataxia-telangiectasia syndrome. Last evaluated: 2021-08-31. Review status: criteria provided, single submitter. Criteria: Invitae Variant Classification Sherloc (09022015). Collection method: clinical testing. Allele origin: germline.
Comment: This sequence change replaces lysine with arginine at codon 2789 of the ATM protein (p.Lys2789Arg). The lysine residue is moderately conserved and there is a small physicochemical difference between lysine and arginine. This variant is not present in population databases (ExAC no frequency). This variant has not been reported in the literature in individuals affected with ATM-related conditions. Algorithms developed to predict the effect of missense changes on protein structure and function output the following: SIFT: "Tolerated"; PolyPhen-2: "Benign"; Align-GVGD: "Class C0". The arginine amino acid residue is found in multiple mammalian species, which suggests that this missense change does not adversely affect protein function. In summary, the available evidence is currently insufficient to determine the role of this variant in disease. Therefore, it has been classified as a Variant of Uncertain Significance.

NM_000051.4(ATM):c.8366A>G (p.Lys2789Arg)

Genes: ATM (ATM serine/threonine kinase; plus strand), C11orf65 (chromosome 11 open reading frame 65; minus strand). Cytogenetic location: 11q22.3.
Variant type: single nucleotide variant.
Coding change: c.8366A>G on transcript NM_000051.4 (MANE Select); coding-DNA position 8366, A replaced by G.
Protein change: p.Lys2789Arg; replaces lysine 2789 with arginine.
Molecular consequence: missense variant. On other transcripts: intron variant (2).
Genome position (GRCh38, 1-based): chr11:108,343,319, A>G. VCF-style: chr11-108343319-A-G. GRCh37 (hg19) VCF-style: chr11-108214046-A-G.
Other names: c.8366A>G, p.Lys2789Arg (NM_001351834.2); c.641-34248T>C (NM_001330368.2); c.695-8027T>C (NM_001351110.2); short protein forms K2789R.
Identifiers: ClinVar variation 643602 (VCV000643602.8), dbSNP rs1591248788, ClinGen allele CA382516517.